The following is an entry in ClinVar:

ClinVar aggregate classification (germline): Likely pathogenic (1 of 4 stars; one submission).

Conditions:
Osteogenesis imperfecta type I (OI1). Also called: Lobstein disease; Osteogenesis imperfecta type 1; OI, TYPE I; OSTEOGENESIS IMPERFECTA TARDA; OSTEOGENESIS IMPERFECTA WITH BLUE SCLERAE; Lobstein's Disease. Identifiers: Orphanet 216796, Orphanet 666, MedGen C0023931, MONDO:0008146, OMIM 166200. Disease mechanism: loss of function.

Submission:

Labcorp Genetics (formerly Invitae), Labcorp
Classification: Likely pathogenic for Osteogenesis imperfecta type I. Last evaluated: 2021-09-06. Review status: criteria provided, single submitter. Criteria: Invitae Variant Classification Sherloc (09022015). Collection method: clinical testing. Allele origin: germline.
Comment: This variant results in the deletion of part of exon 1 (c.82_103+11del) of the COL1A1 gene. It is expected to disrupt RNA splicing. Variants that disrupt the donor or acceptor splice site typically lead to a loss of protein function (PMID: 16199547), and loss-of-function variants in COL1A1 are known to be pathogenic (PMID: 7942841, 9295084, 9443882). This variant is not present in population databases (ExAC no frequency). This variant has not been reported in the literature in individuals affected with COL1A1-related conditions. Algorithms developed to predict the effect of sequence changes on RNA splicing suggest that this variant may disrupt the consensus splice site. In summary, the currently available evidence indicates that the variant is pathogenic, but additional data are needed to prove that conclusively. Therefore, this variant has been classified as Likely Pathogenic.

Literature cited by the submitters: PubMed 16199547; PubMed 7942841; PubMed 9295084; PubMed 9443882.

NM_000088.4(COL1A1):c.82_103+11del

Gene: COL1A1 (collagen type I alpha 1 chain; minus strand). Cytogenetic location: 17q21.33.
Variant type: Deletion.
Coding change: c.82_103+11del on transcript NM_000088.4 (MANE Select); coding-DNA position 82 through 11 bases into the intron after coding-DNA position 103, 33 bases deleted.
Molecular consequence: splice donor variant.
Genome position (GRCh38, 1-based): chr17:50,201,400-50,201,432, 33 bases deleted; deleting any 33 consecutive bases within chr17:50,201,400-50,201,436 gives the same sequence; the c. name uses the placement nearest the transcript's 3' end. GRCh37 (hg19): chr17:48,278,765-48,278,797.
Identifiers: ClinVar variation 1495763 (VCV001495763.6), dbSNP rs2144600020, ClinGen allele CA2573154177.